The following is an entry in ClinVar:

NM_201384.3(PLEC):c.1949A>G (p.Asn650Ser)

Gene: PLEC (plectin; minus strand). Cytogenetic location: 8q24.3.
Variant type: single nucleotide variant.
Coding change: c.1949A>G on transcript NM_201384.3 (MANE Select); coding-DNA position 1949, A replaced by G.
Protein change: p.Asn650Ser; replaces asparagine 650 with serine.
Molecular consequence: missense variant.
Genome position (GRCh38, 1-based): chr8:143,932,428, T>C on the plus strand (A>G on the coding strand, the complement: PLEC is on the minus strand). VCF-style: chr8-143932428-T-C. GRCh37 (hg19) VCF-style: chr8-145006596-T-C.
Other names: c.1961A>G, p.Asn654Ser (NM_201383.3); c.2030A>G, p.Asn677Ser (NM_000445.5, NM_001410941.1); c.1907A>G, p.Asn636Ser (NM_201378.4); c.1883A>G, p.Asn628Ser (NM_201379.3); c.2360A>G, p.Asn787Ser (NM_201380.4); c.1853A>G, p.Asn618Ser (NM_201381.3); c.1949A>G, p.Asn650Ser (NM_201382.4); short protein forms N650S, N677S, N618S, N636S, N628S, N654S, N787S.
Identifiers: ClinVar variation 2053868 (VCV002053868.4), dbSNP rs782028746, ClinGen allele CA4927780.

ClinVar aggregate classification (germline): Uncertain significance (1 of 4 stars; one submission).

Conditions:
Epidermolysis bullosa simplex 5B, with muscular dystrophy (EBS5B). Also called: EPIDERMOLYSIS BULLOSA SIMPLEX AND LIMB-GIRDLE MUSCULAR DYSTROPHY; Epidermolysis bullosa simplex with muscular dystrophy. Identifiers: Orphanet 257, MedGen C2931072, MONDO:0009181, OMIM 226670.
Epidermolysis bullosa simplex, Ogna type (EBS5A). Also called: Pidermolysis bullosa simplex 5A, Ogna type; EPIDERMOLYSIS BULLOSA SIMPLEX 5A, OGNA TYPE. Identifiers: Orphanet 79401, MedGen C0432317, MONDO:0007555, OMIM 131950.
Epidermolysis bullosa simplex 5C, with pyloric atresia (EBS5C). Also called: PLEC-Related Epidermolysis Bullosa with Pyloric Atresia; Epidermolysis bullosa simplex with pyloric atresia; PLEC1-Related Epidermolysis Bullosa with Pyloric Atresia. Identifiers: Orphanet 158684, MedGen C2677349, MONDO:0012807, OMIM 612138.
Autosomal recessive limb-girdle muscular dystrophy type 2Q (LGMDR17). Also called: MUSCULAR DYSTROPHY, LIMB-GIRDLE, AUTOSOMAL RECESSIVE 17. Identifiers: Orphanet 254361, MedGen C3150989, MONDO:0013390, OMIM 613723.
Epidermolysis bullosa simplex with nail dystrophy (EBS5D). Identifiers: MedGen C4225309, MONDO:0014661, OMIM 616487.

Allele frequency attached by ClinVar (database versions not stated): gnomAD exomes below 0.00001; TOPMed below 0.00001; ExAC 0.00001.
gnomAD v4.1: 2 of 1,612,840 alleles (0.00012%); highest among the groups gnomAD compares: Admixed American, 0.0033%; no homozygotes.

Submission:

Labcorp Genetics (formerly Invitae), Labcorp
Classification: Uncertain significance for Autosomal recessive limb-girdle muscular dystrophy type 2Q; Epidermolysis bullosa simplex, Ogna type; Epidermolysis bullosa simplex with nail dystrophy; Epidermolysis bullosa simplex 5C, with pyloric atresia; Epidermolysis bullosa simplex 5B, with muscular dystrophy. Last evaluated: 2022-10-05. Review status: criteria provided, single submitter. Criteria: Invitae Variant Classification Sherloc (09022015). Collection method: clinical testing. Allele origin: germline.
Comment: This sequence change replaces asparagine, which is neutral and polar, with serine, which is neutral and polar, at codon 677 of the PLEC protein (p.Asn677Ser). In summary, the available evidence is currently insufficient to determine the role of this variant in disease. Therefore, it has been classified as a Variant of Uncertain Significance. Advanced modeling of protein sequence and biophysical properties (such as structural, functional, and spatial information, amino acid conservation, physicochemical variation, residue mobility, and thermodynamic stability) performed at Invitae indicates that this missense variant is not expected to disrupt PLEC protein function. This variant has not been reported in the literature in individuals affected with PLEC-related conditions. This variant is present in population databases (rs782028746, gnomAD 0.006%).